The following is an entry in ClinVar:

NM_001291303.3(FAT4):c.6531C>T (p.Phe2177=)

Gene: FAT4 (FAT atypical cadherin 4; plus strand). Cytogenetic location: 4q28.1.
Variant type: single nucleotide variant.
Coding change: c.6531C>T on transcript NM_001291303.3 (MANE Select); coding-DNA position 6531, C replaced by T.
Protein change: p.Phe2177=; no amino-acid change (phenylalanine 2177 retained).
Molecular consequence: synonymous variant.
Genome position (GRCh38, 1-based): chr4:125,415,494, C>T. VCF-style: chr4-125415494-C-T. GRCh37 (hg19) VCF-style: chr4-126336649-C-T.
Other names: c.6531C>T, p.Phe2177= (NM_001291285.3, NM_024582.6); c.6531C>T (NM_024582.4).
Identifiers: ClinVar variation 1559390 (VCV001559390.10), dbSNP rs775866114, ClinGen allele CA3072930.

ClinVar aggregate classification (germline): Likely benign. Review status: criteria provided, single submitter (1 of 4 stars). 2 submissions from 2 submitters: Likely benign (1). 1 of the submissions does not count toward it. Last evaluated 2025-01-15.

Conditions:
FAT4-related disorder. Also called: FAT4-related condition.

Allele frequency attached by ClinVar (database versions not stated): TOPMed 0.00001; gnomAD 0.00002; gnomAD exomes 0.00004; ExAC 0.00005.
gnomAD v4.1: 28 of 1,613,876 alleles (0.0017%); highest among the groups gnomAD compares: Middle Eastern, 0.033%; no homozygotes.

Submissions (2):

Labcorp Genetics (formerly Invitae), Labcorp
Classification: Likely benign. Last evaluated: 2025-01-15. Review status: criteria provided, single submitter. Criteria: Invitae Variant Classification Sherloc (09022015). Collection method: clinical testing. Allele origin: germline.

PreventionGenetics, part of Exact Sciences
Classification: Likely benign for FAT4-related condition. Last evaluated: 2024-01-03. Review status: no assertion criteria provided. Collection method: clinical testing. Allele origin: germline. Not counted in ClinVar's aggregate classification.
Comment: This variant is classified as likely benign based on ACMG/AMP sequence variant interpretation guidelines (Richards et al. 2015 PMID: 25741868, with internal and published modifications).